The following is an entry in ClinVar:

ClinVar aggregate classification (germline): Benign/Likely benign. Review status: criteria provided, multiple submitters, no conflicts (2 of 4 stars). 7 submissions from 7 submitters: Benign (5); Likely benign (2). Last evaluated 2026-02-03.

Conditions:
Pulmonary hypertension, primary, 2. Identifiers: Orphanet 422, MedGen C3888002, MONDO:0014134, OMIM 615342.

Allele frequency attached by ClinVar (database versions not stated): 1000 Genomes Project 0.00140; 1000 Genomes Project 30x 0.00141; ExAC 0.00253; gnomAD 0.00362 and 0.00368; gnomAD exomes 0.00364 and 0.00437; TOPMed 0.00403.
gnomAD v4.1: 6,663 of 1,550,138 alleles (0.43%); highest among the groups gnomAD compares: Middle Eastern, 0.6%; 22 homozygotes.

Submissions (7):

Labcorp Genetics (formerly Invitae), Labcorp
Classification: Benign for Pulmonary hypertension, primary, 2. Last evaluated: 2026-02-03. Review status: criteria provided, single submitter. Criteria: Invitae Variant Classification Sherloc (09022015). Collection method: clinical testing. Allele origin: germline.

Blueprint Genetics
Classification: Likely benign. Last evaluated: 2024-11-21. Review status: criteria provided, single submitter. Criteria: ACMG Guidelines, 2015. Collection method: clinical testing. Allele origin: germline.

CeGaT Center for Human Genetics Tuebingen
Classification: Likely benign. Last evaluated: 2024-11-01. Review status: criteria provided, single submitter. Criteria: CeGaT Center For Human Genetics Tuebingen Variant Classification Criteria Version 2. Collection method: clinical testing. Allele origin: germline. Affected: yes. Observed: 1 variant allele.
Comment: SMAD9: BP4, BP7, BS2

ARUP Laboratories, Molecular Genetics and Genomics, ARUP Laboratories
Classification: Benign for Pulmonary hypertension, primary, 2. Last evaluated: 2023-09-18. Review status: criteria provided, single submitter. Criteria: ARUP Molecular Germline Variant Investigation Process 2024. Collection method: clinical testing. Allele origin: germline.

GeneDx
Classification: Benign. Last evaluated: 2020-01-20. Review status: criteria provided, single submitter. Criteria: GeneDx Variant Classification Process June 2021. Collection method: clinical testing. Allele origin: germline. Affected: yes.

Laboratory for Molecular Medicine, Mass General Brigham Personalized Medicine
Classification: Benign. Last evaluated: 2015-12-09. Review status: criteria provided, single submitter. Criteria: LMM Criteria. Collection method: clinical testing. Allele origin: germline. Observed: 1 variant allele.
Comment: p.His252His in exon 4 of SMAD9: This variant is not expected to have clinical si gnificance because it does not alter an amino acid residue and is not located wi thin the splice consensus sequence. It has been identified in 0.6% (49/8748) of European chromosomes by the Exome Aggregation Consortium (ExAC; dbSNP rs146836873).

Breakthrough Genomics
Classification: Benign. Review status: criteria provided, single submitter. Criteria: ACMG Guidelines, 2015. Collection method: not provided. Allele origin: germline. Inheritance: Autosomal dominant inheritance. Affected: yes.

NM_001127217.3(SMAD9):c.756T>C (p.His252=)

Gene: SMAD9 (SMAD family member 9; minus strand). Cytogenetic location: 13q13.3.
Variant type: single nucleotide variant.
Coding change: c.756T>C on transcript NM_001127217.3 (MANE Select); coding-DNA position 756, T replaced by C.
Protein change: p.His252=; no amino-acid change (histidine 252 retained).
Molecular consequence: synonymous variant. On other transcripts: intron variant (2).
Genome position (GRCh38, 1-based): chr13:36,867,298, A>G on the plus strand (T>C on the coding strand, the complement: SMAD9 is on the minus strand). VCF-style: chr13-36867298-A-G. GRCh37 (hg19) VCF-style: chr13-37441435-A-G.
Other names: c.671-1540T>C (NM_005905.6, NM_001378621.1).
Identifiers: ClinVar variation 227077 (VCV000227077.42), dbSNP rs146836873, ClinGen allele CA6950482.